The following is an entry in ClinVar:

NM_000113.3(TOR1A):c.492G>C (p.Arg164Ser)

Gene: TOR1A (torsin family 1 member A; minus strand). Cytogenetic location: 9q34.11.
Variant type: single nucleotide variant.
Coding change: c.492G>C on transcript NM_000113.3 (MANE Select); coding-DNA position 492, G replaced by C.
Protein change: p.Arg164Ser; replaces arginine 164 with serine.
Molecular consequence: missense variant.
Genome position (GRCh38, 1-based): chr9:129,818,873, C>G on the plus strand (G>C on the coding strand, the complement: TOR1A is on the minus strand). VCF-style: chr9-129818873-C-G. GRCh37 (hg19) VCF-style: chr9-132581152-C-G.
Other names: short protein forms R164S.
Identifiers: ClinVar variation 3638163 (VCV003638163.2).

ClinVar aggregate classification (germline): Uncertain significance (1 of 4 stars; one submission).

Conditions:
Dystonic disorder. Also called: Dystonia. Identifiers: MedGen C0013421, MONDO:0003441, HP:0001332.

Submission:

Labcorp Genetics (formerly Invitae), Labcorp
Classification: Uncertain significance for Dystonic disorder. Last evaluated: 2024-10-31. Review status: criteria provided, single submitter. Criteria: Invitae Variant Classification Sherloc (09022015). Collection method: clinical testing. Allele origin: germline.
Comment: This sequence change replaces arginine, which is basic and polar, with serine, which is neutral and polar, at codon 164 of the TOR1A protein (p.Arg164Ser). This variant is not present in population databases (gnomAD no frequency). This variant has not been reported in the literature in individuals affected with TOR1A-related conditions. Invitae Evidence Modeling of protein sequence and biophysical properties (such as structural, functional, and spatial information, amino acid conservation, physicochemical variation, residue mobility, and thermodynamic stability) indicates that this missense variant is not expected to disrupt TOR1A protein function with a negative predictive value of 80%. In summary, the available evidence is currently insufficient to determine the role of this variant in disease. Therefore, it has been classified as a Variant of Uncertain Significance.